The following is an entry in ClinVar:

NM_020461.4(TUBGCP6):c.3541G>A (p.Ala1181Thr)

Gene: TUBGCP6 (tubulin gamma complex component 6; minus strand). Cytogenetic location: 22q13.33.
Variant type: single nucleotide variant.
Coding change: c.3541G>A on transcript NM_020461.4 (MANE Select); coding-DNA position 3541, G replaced by A.
Protein change: p.Ala1181Thr; replaces alanine 1181 with threonine.
Molecular consequence: missense variant.
Genome position (GRCh38, 1-based): chr22:50,220,818, C>T on the plus strand (G>A on the coding strand, the complement: TUBGCP6 is on the minus strand). VCF-style: chr22-50220818-C-T. GRCh37 (hg19) VCF-style: chr22-50659247-C-T.
Other names: short protein forms A1181T.
Identifiers: ClinVar variation 1450789 (VCV001450789.3), dbSNP rs202211995, ClinGen allele CA10307916.

ClinVar aggregate classification (germline): Uncertain significance (1 of 4 stars; one submission).

Allele frequency attached by ClinVar (database versions not stated): gnomAD 0.00062; ExAC 0.00002.

Submission:

Labcorp Genetics (formerly Invitae), Labcorp
Classification: Uncertain significance. Last evaluated: 2022-08-10. Review status: criteria provided, single submitter. Criteria: Invitae Variant Classification Sherloc (09022015). Collection method: clinical testing. Allele origin: germline.
Comment: This sequence change replaces alanine, which is neutral and non-polar, with threonine, which is neutral and polar, at codon 1181 of the TUBGCP6 protein (p.Ala1181Thr). The frequency data for this variant in the population databases is considered unreliable, as metrics indicate poor data quality at this position in the gnomAD database. This variant has not been reported in the literature in individuals affected with TUBGCP6-related conditions. ClinVar contains an entry for this variant (Variation ID: 1450789). Algorithms developed to predict the effect of missense changes on protein structure and function output the following: SIFT: "Deleterious"; PolyPhen-2: "Benign"; Align-GVGD: "Class C0". The threonine amino acid residue is found in multiple mammalian species, which suggests that this missense change does not adversely affect protein function. In summary, the available evidence is currently insufficient to determine the role of this variant in disease. Therefore, it has been classified as a Variant of Uncertain Significance.